The following is an entry in ClinVar:

NM_001195518.2(MICU1):c.420T>C (p.Pro140=)

Gene: MICU1 (mitochondrial calcium uptake 1; minus strand). Cytogenetic location: 10q22.1.
Variant type: single nucleotide variant.
Coding change: c.420T>C on transcript NM_001195518.2 (MANE Select); coding-DNA position 420, T replaced by C.
Protein change: p.Pro140=; no amino-acid change (proline 140 retained).
Molecular consequence: synonymous variant.
Genome position (GRCh38, 1-based): chr10:72,551,252, A>G on the plus strand (T>C on the coding strand, the complement: MICU1 is on the minus strand). VCF-style: chr10-72551252-A-G. GRCh37 (hg19) VCF-style: chr10-74311010-A-G.
Other names: c.420T>C (NM_001195518.1); c.420T>C, p.Pro140= (NM_001363513.2, NM_006077.4).
Identifiers: ClinVar variation 1583449 (VCV001583449.10), dbSNP rs372400344, ClinGen allele CA5550281.

ClinVar aggregate classification (germline): Benign. Review status: criteria provided, single submitter (1 of 4 stars). 2 submissions from 2 submitters: Benign (1). 1 of the submissions does not count toward it. Last evaluated 2025-10-21.

Conditions:
MICU1-related disorder. Also called: MICU1-related condition.

Allele frequency attached by ClinVar (database versions not stated): gnomAD exomes 0.00008 and 0.00012; ExAC 0.00010; TOPMed 0.00012; gnomAD 0.00013 and 0.00014; ESP Exome Variant Server 0.00025.
gnomAD v4.1: 131 of 1,613,378 alleles (0.0081%); highest among the groups gnomAD compares: Admixed American, 0.0033%; no homozygotes.

Submissions (2):

Labcorp Genetics (formerly Invitae), Labcorp
Classification: Benign. Last evaluated: 2025-10-21. Review status: criteria provided, single submitter. Criteria: Invitae Variant Classification Sherloc (09022015). Collection method: clinical testing. Allele origin: germline.

PreventionGenetics, part of Exact Sciences
Classification: Likely benign for MICU1-related condition. Last evaluated: 2019-06-27. Review status: no assertion criteria provided. Collection method: clinical testing. Allele origin: germline. Not counted in ClinVar's aggregate classification.
Comment: This variant is classified as likely benign based on ACMG/AMP sequence variant interpretation guidelines (Richards et al. 2015 PMID: 25741868, with internal and published modifications).